The following is an entry in ClinVar:

ClinVar aggregate classification (germline): Uncertain significance (1 of 4 stars; one submission).

Conditions:
Progressive familial heart block type IB (PFHB1B). Identifiers: Orphanet 871, MedGen C1970298, MONDO:0011474, OMIM 604559.

Allele frequency attached by ClinVar (database versions not stated): gnomAD exomes 0.00001; TOPMed 0.00001; gnomAD 0.00002.
gnomAD v4.1: 23 of 1,614,074 alleles (0.0014%); highest among the groups gnomAD compares: Non-Finnish European, 0.0019%; no homozygotes.

Submission:

Labcorp Genetics (formerly Invitae), Labcorp
Classification: Uncertain significance for Progressive familial heart block type IB. Last evaluated: 2023-01-17. Review status: criteria provided, single submitter. Criteria: Invitae Variant Classification Sherloc (09022015). Collection method: clinical testing. Allele origin: germline.
Comment: Algorithms developed to predict the effect of missense changes on protein structure and function are either unavailable or do not agree on the potential impact of this missense change (SIFT: "Tolerated"; PolyPhen-2: "Probably Damaging"; Align-GVGD: "Class C0"). In summary, the available evidence is currently insufficient to determine the role of this variant in disease. Therefore, it has been classified as a Variant of Uncertain Significance. This missense change has been observed in individual(s) with clinical features of TRPM4-related conditions (PMID: 30847666). This variant is not present in population databases (gnomAD no frequency). This sequence change replaces alanine, which is neutral and non-polar, with valine, which is neutral and non-polar, at codon 589 of the TRPM4 protein (p.Ala589Val).

Literature cited by the submitters: PubMed 30847666.

NM_017636.4(TRPM4):c.1766C>T (p.Ala589Val)

Gene: TRPM4 (transient receptor potential cation channel subfamily M member 4; plus strand). Cytogenetic location: 19q13.33.
Variant type: single nucleotide variant.
Coding change: c.1766C>T on transcript NM_017636.4 (MANE Select); coding-DNA position 1766, C replaced by T.
Protein change: p.Ala589Val; replaces alanine 589 with valine.
Molecular consequence: missense variant.
Genome position (GRCh38, 1-based): chr19:49,188,663, C>T. VCF-style: chr19-49188663-C-T. GRCh37 (hg19) VCF-style: chr19-49691920-C-T.
Other names: c.1766C>T, p.Ala589Val (NM_001195227.2); c.1421C>T, p.Ala474Val (NM_001321281.2); c.158C>T, p.Ala53Val (NM_001321282.2); c.1244C>T, p.Ala415Val (NM_001321283.2); c.704C>T, p.Ala235Val (NM_001321285.2); short protein forms A589V, A235V, A474V, A415V, A53V.
Identifiers: ClinVar variation 2883884 (VCV002883884.3), dbSNP rs1196497438, ClinGen allele CA406802754.
Genomic context (GRCh38, chr19:49,188,663, plus strand): 5'-CCCTCTTTGACGCATCCGTGCCCTCTTTGTCTCTCCAGGGTTCCAATGCAGTTTCCTCAG[C>T]TCTTGGGGCCTGTTTGCTGCTCCGGGTGATGGCACGCCTGGAGCCTGACGCTGAGGAGGC-3'
Protein context (NP_060106.2, residues 579-599): WEMGSNAVSS[Ala589Val]LGACLLLRVM